The following is an entry in ClinVar:

NM_058216.3(RAD51C):c.607A>G (p.Asn203Asp)

Genes: RAD51C (RAD51 paralog C; plus strand), LOC129390903 (MPRA-validated peak2919 silencer; plus strand). Cytogenetic location: 17q22.
Variant type: single nucleotide variant.
Coding change: c.607A>G on transcript NM_058216.3 (MANE Select); coding-DNA position 607, A replaced by G.
Protein change: p.Asn203Asp; replaces asparagine 203 with aspartic acid.
Molecular consequence: missense variant. On other transcripts: non-coding transcript variant (1).
Genome position (GRCh38, 1-based): chr17:58,703,231, A>G. VCF-style: chr17-58703231-A-G. GRCh37 (hg19) VCF-style: chr17-56780592-A-G.
Other names: short protein forms N203D.
Identifiers: ClinVar variation 409868 (VCV000409868.20), dbSNP rs538884532, ClinGen allele CA8677281.

ClinVar aggregate classification (germline): Conflicting classifications of pathogenicity. Review status: criteria provided, conflicting classifications (1 of 4 stars). 7 submissions from 6 submitters: Uncertain significance (6); Benign (1). Last evaluated 2025-09-25.

Conditions:
Breast-ovarian cancer, familial, susceptibility to, 3. Also called: RAD51C-Related Breast/Ovarian Cancer. Identifiers: Orphanet 145, MedGen C3150659, MONDO:0013253, OMIM 613399.
Fanconi anemia complementation group O. Also called: RAD51C-Related Fanconi Anemia. Identifiers: Orphanet 84, MedGen C3150653, MONDO:0013248, OMIM 613390.
Hereditary cancer-predisposing syndrome. Also called: Hereditary neoplastic syndrome; Neoplastic Syndromes, Hereditary; Tumor predisposition; Hereditary Cancer Syndrome. Identifiers: Orphanet 140162, MedGen C0027672, MeSH D009386, MONDO:0015356.

Allele frequency attached by ClinVar (database versions not stated): gnomAD exomes 0.00001; TOPMed 0.00001; ExAC 0.00002.
gnomAD v4.1: 3 of 1,609,606 alleles (0.00019%); highest among the groups gnomAD compares: Admixed American, 0.0033%; no homozygotes.

Submissions (7):

Ambry Genetics
Classification: Benign for Hereditary cancer-predisposing syndrome. Last evaluated: 2025-09-25. Review status: criteria provided, single submitter. Criteria: Ambry Variant Classification Scheme 2023. Collection method: clinical testing. Allele origin: germline.

Labcorp Genetics (formerly Invitae), Labcorp
Classification: Uncertain significance for Fanconi anemia complementation group O. Last evaluated: 2025-06-12. Review status: criteria provided, single submitter. Criteria: Invitae Variant Classification Sherloc (09022015). Collection method: clinical testing. Allele origin: germline.
Comment: This sequence change replaces asparagine, which is neutral and polar, with aspartic acid, which is acidic and polar, at codon 203 of the RAD51C protein (p.Asn203Asp). This variant is present in population databases (rs538884532, gnomAD 0.003%). This missense change has been observed in individual(s) with ovarian cancer (PMID: 26261251). ClinVar contains an entry for this variant (Variation ID: 409868). Invitae Evidence Modeling of protein sequence and biophysical properties (such as structural, functional, and spatial information, amino acid conservation, physicochemical variation, residue mobility, and thermodynamic stability) indicates that this missense variant is not expected to disrupt RAD51C protein function with a negative predictive value of 80%. In summary, the available evidence is currently insufficient to determine the role of this variant in disease. Therefore, it has been classified as a Variant of Uncertain Significance.

Women's Health and Genetics/Laboratory Corporation of America, LabCorp
Classification: Uncertain significance. Last evaluated: 2025-03-28. Review status: criteria provided, single submitter. Criteria: LabCorp Variant Classification Summary - May 2015. Collection method: clinical testing. Allele origin: germline.
Comment: Variant summary: RAD51C c.607A>G (p.Asn203Asp) results in a conservative amino acid change in the encoded protein sequence. Five of five in-silico tools predict a benign effect of the variant on protein function. The variant allele was found at a frequency of 8e-06 in 251262 control chromosomes. The available data on variant occurrences in the general population are insufficient to allow any conclusion about variant significance. c.607A>G has been reported in the literature in an individual affected with ovarian cancer. This report does not provide unequivocal conclusions about association of the variant with Fanconi Anemia Complementation Group O or Hereditary Breast and Ovarian Cancer Syndrome. To our knowledge, no experimental evidence demonstrating an impact on protein function has been reported. The following publication has been ascertained in the context of this evaluation (PMID: 26261251). ClinVar contains an entry for this variant (Variation ID: 409868). Based on the evidence outlined above, the variant was classified as uncertain significance.

Baylor Genetics
Classification: Uncertain significance for Breast-ovarian cancer, familial, susceptibility to, 3. Last evaluated: 2024-03-07. Review status: criteria provided, single submitter. Criteria: ACMG Guidelines, 2015. Collection method: clinical testing. Allele origin: unknown.

Fulgent Genetics
Classification: Uncertain significance for Fanconi anemia complementation group O; Breast-ovarian cancer, familial, susceptibility to, 3. Last evaluated: 2022-04-14. Review status: criteria provided, single submitter. Criteria: ACMG Guidelines, 2015. Collection method: clinical testing. Allele origin: unknown.

Baylor Genetics
Classification: Uncertain significance for Fanconi anemia complementation group O. Last evaluated: 2021-11-26. Review status: criteria provided, single submitter. Criteria: ACMG Guidelines, 2015. Collection method: clinical testing. Allele origin: unknown. Affected: yes. Study: CSER-TexasKidsCanSeq.
Comment: This variant was determined to be of uncertain significance according to ACMG Guidelines, 2015 [PMID:25741868].

Color Diagnostics, LLC DBA Color Health
Classification: Uncertain significance for Hereditary cancer-predisposing syndrome. Last evaluated: 2019-03-20. Review status: criteria provided, single submitter. Criteria: ACMG Guidelines, 2015. Collection method: clinical testing. Allele origin: germline.

Literature cited by the submitters: PubMed 26261251 (cited by 3 submitters).